The following is an entry in ClinVar:

NM_004415.4(DSP):c.7577G>A (p.Ser2526Asn)

Gene: DSP (desmoplakin; plus strand). Cytogenetic location: 6p24.3.
Variant type: single nucleotide variant.
Coding change: c.7577G>A on transcript NM_004415.4 (MANE Select); coding-DNA position 7577, G replaced by A.
Protein change: p.Ser2526Asn; replaces serine 2526 with asparagine.
Molecular consequence: missense variant.
Genome position (GRCh38, 1-based): chr6:7,584,839, G>A. VCF-style: chr6-7584839-G-A. GRCh37 (hg19) VCF-style: chr6-7585072-G-A.
Other names: c.5780G>A, p.Ser1927Asn (NM_001008844.3); c.6248G>A, p.Ser2083Asn (NM_001319034.2); short protein forms S1927N, S2083N, S2526N.
Identifiers: ClinVar variation 3347277 (VCV003347277.1).

ClinVar aggregate classification (germline): Uncertain significance (0 of 4 stars; one submission).

Conditions:
DSP-related disorder. Also called: DSP-related disorders; DSP-related condition.

Submission:

PreventionGenetics, part of Exact Sciences
Classification: Uncertain significance for DSP-related condition. Last evaluated: 2024-09-18. Review status: no assertion criteria provided. Collection method: clinical testing. Allele origin: germline.
Comment: The DSP c.7577G>A variant is predicted to result in the amino acid substitution p.Ser2526Asn. To our knowledge, this variant has not been reported in the literature or in a large population database, indicating this variant is rare. At this time, the clinical significance of this variant is uncertain due to the absence of conclusive functional and genetic evidence.